The following is an entry in ClinVar:

NM_017841.4(SDHAF2):c.357C>G (p.Tyr119Ter)

Gene: SDHAF2 (succinate dehydrogenase complex assembly factor 2; plus strand). Cytogenetic location: 11q12.2.
Variant type: single nucleotide variant.
Coding change: c.357C>G on transcript NM_017841.4 (MANE Select); coding-DNA position 357, C replaced by G.
Protein change: p.Tyr119Ter; replaces tyrosine 119 with a stop codon.
Molecular consequence: nonsense.
Genome position (GRCh38, 1-based): chr11:61,438,100, C>G. VCF-style: chr11-61438100-C-G. GRCh37 (hg19) VCF-style: chr11-61205572-C-G.
Other names: short protein forms Y119*.
Identifiers: ClinVar variation 1732865 (VCV001732865.7), dbSNP rs769577154, ClinGen allele CA058556.

ClinVar aggregate classification (germline): Conflicting classifications of pathogenicity. Review status: criteria provided, conflicting classifications (1 of 4 stars). 2 submissions from 2 submitters: Likely pathogenic (1); Uncertain significance (1). Last evaluated 2026-06-05.

Conditions:
Hereditary cancer-predisposing syndrome. Also called: Neoplastic Syndromes, Hereditary; Tumor predisposition; Hereditary Cancer Syndrome; Hereditary neoplastic syndrome. Identifiers: Orphanet 140162, MedGen C0027672, MeSH D009386, MONDO:0015356.
Hereditary pheochromocytoma and paraganglioma. Also called: Hereditary pheochromocytoma-paraganglioma; Hereditary Paraganglioma-Pheochromocytoma Syndromes; Hereditary paragangliomas and pheochromocytomas. Identifiers: Orphanet 29072, MedGen C4274332, MONDO:0017366.

Allele frequency attached by ClinVar (database versions not stated): ExAC 0.00003.
gnomAD v4.1: 9 of 1,612,308 alleles (0.00056%); highest among the groups gnomAD compares: East Asian, 0.0022%; no homozygotes.

Submissions (2):

Ambry Genetics
Classification: Likely pathogenic for Hereditary cancer-predisposing syndrome. Last evaluated: 2026-06-05. Review status: criteria provided, single submitter. Criteria: Ambry Variant Classification Scheme 2023. Collection method: clinical testing. Allele origin: germline.
Comment: The p.Y119* variant (also known as c.357C>G), located in coding exon 3 of the SDHAF2 gene, results from a C to G substitution at nucleotide position 357. This changes the amino acid from a tyrosine to a stop codon within coding exon 3. This alteration occurs at the 3' terminus of theSDHAF2 gene, is not expected to trigger nonsense-mediated mRNA decay, and only impacts the last 48 amino acids of the protein. However, premature stop codons are typically deleterious in nature and a significant portion of the protein is affected (Ambry internal data). This variant is considered to be rare based on population cohorts in the Genome Aggregation Database (gnomAD). Based on the majority of available evidence to date, this variant is likely to be pathogenic.

Labcorp Genetics (formerly Invitae), Labcorp
Classification: Uncertain significance for Hereditary pheochromocytoma and paraganglioma. Last evaluated: 2025-12-08. Review status: criteria provided, single submitter. Criteria: Invitae Variant Classification Sherloc (09022015). Collection method: clinical testing. Allele origin: germline.
Comment: This sequence change creates a premature translational stop signal (p.Tyr119*) in the SDHAF2 gene. While this is not anticipated to result in nonsense mediated decay, it is expected to disrupt the last 48 amino acid(s) of the SDHAF2 protein. This variant is present in population databases (rs769577154, gnomAD 0.004%). This variant has not been reported in the literature in individuals affected with SDHAF2-related conditions. ClinVar contains an entry for this variant (Variation ID: 1732865). Algorithms developed to predict the effect of sequence changes on RNA splicing suggest that this variant may disrupt the consensus splice site. In summary, the available evidence is currently insufficient to determine the role of this variant in disease. Therefore, it has been classified as a Variant of Uncertain Significance.